The following is an entry in ClinVar:

ClinVar aggregate classification (germline): Uncertain significance (1 of 4 stars; one submission).

Conditions:
Malignant hyperthermia, susceptibility to, 5 (MHS5). Also called: CACNA1S-Related Malignant Hyperthermia Susceptibility. Identifiers: Orphanet 423, MedGen C1866077, MONDO:0011163, OMIM 601887.

Submission:

All of Us Research Program, National Institutes of Health
Classification: Uncertain significance for Malignant hyperthermia, susceptibility to, 5. Last evaluated: 2023-06-26. Review status: criteria provided, single submitter. Criteria: ACMG Guidelines, 2015. Collection method: clinical testing. Allele origin: germline. Inheritance: Autosomal dominant inheritance. Observed: 1 variant allele, 1 heterozygote.
Comment: This missense variant replaces valine with glycine at codon 142 of the CACNA1S protein. Computational prediction is inconclusive regarding the impact of this variant on protein structure and function (internally defined REVEL score threshold 0.5 < inconclusive < 0.7, PMID: 27666373). To our knowledge, functional studies have not been reported for this variant. This variant has not been reported in individuals affected with CACNA1S-related disorders in the literature. This variant has not been identified in the general population by the Genome Aggregation Database (gnomAD). The available evidence is insufficient to determine the role of this variant in disease conclusively. Therefore, this variant is classified as a Variant of Uncertain Significance.

This study involves interpretation of variants in research participants for the purpose of population health screening. Participant phenotype was not available at the time of variant classification. Additional details can be found in publication PMID: 35346344, PMCID: PMC8962531

NM_000069.3(CACNA1S):c.425T>G (p.Val142Gly)

Gene: CACNA1S (calcium voltage-gated channel subunit alpha1 S; minus strand). Cytogenetic location: 1q32.1.
Variant type: single nucleotide variant.
Coding change: c.425T>G on transcript NM_000069.3 (MANE Select); coding-DNA position 425, T replaced by G.
Protein change: p.Val142Gly; replaces valine 142 with glycine.
Molecular consequence: missense variant.
Genome position (GRCh38, 1-based): chr1:201,092,088, A>C on the plus strand (T>G on the coding strand, the complement: CACNA1S is on the minus strand). VCF-style: chr1-201092088-A-C. GRCh37 (hg19) VCF-style: chr1-201061216-A-C.
Other names: short protein forms V142G.
Identifiers: ClinVar variation 3071898 (VCV003071898.1), dbSNP rs2464626108, ClinGen allele CA344142557.